The following is an entry in ClinVar:

NM_007294.4(BRCA1):c.35A>G (p.Gln12Arg)

Gene: BRCA1 (BRCA1 DNA repair associated; minus strand). Cytogenetic location: 17q21.31.
Variant type: single nucleotide variant.
Coding change: c.35A>G on transcript NM_007294.4 (MANE Select); coding-DNA position 35, A replaced by G.
Protein change: p.Gln12Arg; replaces glutamine 12 with arginine.
Molecular consequence: missense variant. On other transcripts: 5 prime UTR variant (1), non-coding transcript variant (1).
Genome position (GRCh38, 1-based): chr17:43,124,062, T>C on the plus strand (A>G on the coding strand, the complement: BRCA1 is on the minus strand). VCF-style: chr17-43124062-T-C. GRCh37 (hg19) VCF-style: chr17-41276079-T-C.
Other names: c.35A>G, p.Gln12Arg (NM_001408447.1, NM_001408448.1, NM_001408450.1 and 193 more transcripts); c.-226A>G (NM_001408452.1, NM_001408462.1, NM_001408463.1 and 22 more transcripts); c.-53A>G (NM_001408454.1, NM_001408459.1, NM_001408460.1 and 23 more transcripts); c.-223A>G (NM_001408455.1, NM_001408456.1, NM_001408468.1 and 11 more transcripts); c.-227A>G (NM_001408465.1, NM_001407695.1); c.-154A>G (NM_001408478.1, NM_001408479.1, NM_001408480.1 and 46 more transcripts); c.-299A>G (NM_001408482.1); c.-270A>G (NM_001408492.1, NM_001407889.1); and 8 more; short protein forms Q12R.
Identifiers: ClinVar variation 441517 (VCV000441517.16), dbSNP rs1555601006, ClinGen allele CA10602092.

ClinVar aggregate classification (germline): Conflicting classifications of pathogenicity. Review status: criteria provided, conflicting classifications (1 of 4 stars). 4 submissions from 4 submitters: Uncertain significance (2); Likely benign (2). Last evaluated 2024-04-12.

Conditions:
Hereditary cancer-predisposing syndrome. Also called: Neoplastic Syndromes, Hereditary; Hereditary neoplastic syndrome; Tumor predisposition; Hereditary Cancer Syndrome. Identifiers: Orphanet 140162, MedGen C0027672, MeSH D009386, MONDO:0015356.
Hereditary breast ovarian cancer syndrome. Also called: Hereditary breast and ovarian cancer syndrome (HBOC); BRCA1- and BRCA2-Associated Hereditary Breast and Ovarian Cancer; Hereditary breast and/or ovarian cancer syndrome; Hereditary breast and ovarian cancer syndrome; Hereditary breast and ovarian cancer; Breast and ovarian cancer. Identifiers: Orphanet 145, MedGen C0677776, MeSH D061325, MONDO:0003582. Disease mechanism: loss of function.
Breast-ovarian cancer, familial, susceptibility to, 1 (BROVCA1). Also called: BRCA1 Hereditary Breast and Ovarian Cancer; OVARIAN CANCER, SUSCEPTIBILITY TO. Identifiers: Orphanet 145, MedGen C2676676, MONDO:0011450, OMIM 604370. Disease mechanism: loss of function.

Submissions (5):

Lupski Lab, Baylor-Hopkins CMG, Baylor College of Medicine
Classification: Likely benign for Breast-ovarian cancer, familial, susceptibility to, 1. Last evaluated: 2024-04-12. Review status: criteria provided, single submitter. Criteria: Dawood et al. (medRxiv. 2024). Collection method: curation. Allele origin: germline.
Comment: Each variant was annotated with functional scores from MAVE data which was translated into functional evidence codes. All other evidence codes and combining criteria were adhered to as closely as possible based on the ClinGen VCEP (Variant Curation Expert Panel) gene-specific recommendations. See Supplemental Figure 34 of final paper (Supp Fig. 28 in preprint: doi:10.1101/2024.04.11.24305690) for a table to see which lines of evidence we did not have data for. The ClinGen VCEPs are highly regarded as the gold-standard for gene-specific variant curation and are developed after extensive evaluation of the evidence by clinical and scientific experts for the particular gene to classify genomic variants on a spectrum from pathogenic to benign using the 2015 ACMG/AMP Variant Interpretation Guidelines as a backbone (PMID: 25741868). Reclassification of these VUS variants from gnomAD or All of Us focused only on variants originally prescribed as VUS in ClinVar. To ensure reproducibility, transparency, and increased throughput, all the procedures for annotating variants and assigning evidence codes were codified using Python. All code has been made freely available and is linked in the Code Availability section and all reclassified variants with evidence codes used can be found in Tables S18-19 (preprint: doi:10.1101/2024.04.11.24305690). For the MAVE data, the clinical curation and clinical strength assignment as per the ClinGen recommendations in Brnich et al. (2020) (PMID: 31892348) for or against pathogenicity or benignity of each of these MAVE datasets utilized in this study were previously published in Fayer et al. (2021) (PMID: 34793697).In brief, for BRCA1 variants, if a variant was categorized as FUNC (functional), it was assigned BS3 evidence and no PS3 evidence, whereas if it was categorized as LOF (loss of function), the variant was assigned PS3 evidence and no BS3 evidence. Variants categorized as INT (intermediate) were left unannotated. For the BRCA1 combining criteria, greater than or equal to 1 criteria of strong benign evidence was enough to reclassify the VUS as Likely Benign. This variant GRCh38:17:43124062:T>C was assigned evidence codes ['BS3', 'BP4'] and an overall classification of Likely benign

All of Us Research Program, National Institutes of Health
Classification: Uncertain significance for Breast-ovarian cancer, familial, susceptibility to, 1. Last evaluated: 2023-06-28. Review status: criteria provided, single submitter. Criteria: ACMG Guidelines, 2015. Collection method: clinical testing. Allele origin: germline. Inheritance: Autosomal dominant inheritance. Observed: 1 variant allele, 1 heterozygote.
Comment: This study involves interpretation of variants in research participants for the purpose of population health screening. Participant phenotype was not available at the time of variant classification. Additional details can be found in publication PMID: 35346344, PMCID: PMC8962531

Labcorp Genetics (formerly Invitae), Labcorp
Classification: Uncertain significance for Hereditary breast ovarian cancer syndrome. Last evaluated: 2021-06-19. Review status: criteria provided, single submitter. Criteria: Invitae Variant Classification Sherloc (09022015). Collection method: clinical testing. Allele origin: germline.
Comment: In summary, the available evidence is currently insufficient to determine the role of this variant in disease. Therefore, it has been classified as a Variant of Uncertain Significance. Advanced modeling of protein sequence and biophysical properties (such as structural, functional, and spatial information, amino acid conservation, physicochemical variation, residue mobility, and thermodynamic stability) performed at Invitae indicates that this missense variant is not expected to disrupt BRCA1 protein function. This variant has not been reported in the literature in individuals with BRCA1-related conditions. ClinVar contains an entry for this variant (Variation ID: 441517). This variant is not present in population databases (ExAC no frequency). This sequence change replaces glutamine with arginine at codon 12 of the BRCA1 protein (p.Gln12Arg). The glutamine residue is moderately conserved and there is a small physicochemical difference between glutamine and arginine.

Ambry Genetics
Classification: Likely benign for Hereditary cancer-predisposing syndrome. Last evaluated: 2021-05-20. Review status: criteria provided, single submitter. Criteria: Ambry Variant Classification Scheme 2023. Collection method: clinical testing. Allele origin: germline.

Brotman Baty Institute, University of Washington
No classification provided (evidence only). Condition: Breast-ovarian cancer, familial 1. Review status: no classification provided. Collection method: in vitro. Allele origin: not applicable. Functional consequence: functionally_normal. Not counted in ClinVar's aggregate classification.
ClinVar note: "not provided" was previously submitted as the classification for the variant. However, the classification appeared to be based only on an observation of functional data so it was converted to no classification on 2025-07-30.

Literature cited by the submitters: PubMed 39142283 (cited by Lupski Lab, Baylor-Hopkins CMG, Baylor College of Medicine); PubMed 34793697 (cited by Lupski Lab, Baylor-Hopkins CMG, Baylor College of Medicine); DOI 10.1101/2024.04.11.24305690 (cited by Lupski Lab, Baylor-Hopkins CMG, Baylor College of Medicine); PubMed 30209399 (cited by Ambry Genetics).